The following is an entry in ClinVar:

NM_006415.4(SPTLC1):c.1402G>T (p.Ala468Ser)

Gene: SPTLC1 (serine palmitoyltransferase long chain base subunit 1; minus strand). Cytogenetic location: 9q22.31.
Variant type: single nucleotide variant.
Coding change: c.1402G>T on transcript NM_006415.4 (MANE Select); coding-DNA position 1402, G replaced by T.
Protein change: p.Ala468Ser; replaces alanine 468 with serine.
Molecular consequence: missense variant.
Genome position (GRCh38, 1-based): chr9:92,032,485, C>A on the plus strand (G>T on the coding strand, the complement: SPTLC1 is on the minus strand). VCF-style: chr9-92032485-C-A. GRCh37 (hg19) VCF-style: chr9-94794767-C-A.
Other names: c.1402G>T (LRG_272t1); c.1370G>T, p.Ser457Ile (NM_001281303.2); c.1036G>T, p.Ala346Ser (NM_001368272.1); c.937G>T, p.Ala313Ser (NM_001368273.1); short protein forms A468S, S457I, A346S, A313S.
Identifiers: ClinVar variation 388906 (VCV000388906.58), dbSNP rs748723735, ClinGen allele CA5121188.
Genomic context (GRCh38, chr9:92,032,485, plus strand): 5'-GCGTGTTGTGTGGCAGGAGGCCATGGTCCCGGGACTCTGCCTAGAGCAGGACGGCCTGGG[C>A]TACCTCCTTGATGGTGGACGCAGCTCTCTCCAGTTCTTCCTCTGTTTGTTCCACCGTGAC-3'
Protein context (NP_006406.1, residues 458-473): ERAASTIKEV[Ala468Ser]QAVLL

ClinVar aggregate classification (germline): Conflicting classifications of pathogenicity. Review status: criteria provided, conflicting classifications (1 of 4 stars). 7 submissions from 7 submitters: Uncertain significance (4); Likely benign (3). Last evaluated 2025-12-21.

Conditions:
Charcot-Marie-Tooth disease. Also called: Charcot-Marie-Tooth Neuropathy; Charcot-Marie-Tooth Hereditary Neuropathy. Identifiers: Orphanet 166, MedGen C0007959, MONDO:0015626.
Hereditary sensory and autonomic neuropathy type 1 (HSAN1). Also called: HSAN 1; Hereditary Sensory Neuropathy Type I; HSN Type I. Identifiers: Orphanet 36386, MedGen C0020071, MONDO:0018213.
Inborn genetic diseases. Identifiers: MedGen C0950123, MeSH D030342.
SPTLC1-related disorder. Also called: SPTLC1-related condition.

Allele frequency attached by ClinVar (database versions not stated): gnomAD exomes 0.00007 and 0.00008; gnomAD 0.00008 and 0.00007; ExAC 0.00009; TOPMed 0.00009.
gnomAD v4.1: 118 of 1,614,138 alleles (0.0073%); highest among the groups gnomAD compares: Non-Finnish European, 0.0089%; 1 homozygote.

Submissions (7):

Labcorp Genetics (formerly Invitae), Labcorp
Classification: Uncertain significance for Hereditary sensory and autonomic neuropathy type 1. Last evaluated: 2025-12-21. Review status: criteria provided, single submitter. Criteria: Invitae Variant Classification Sherloc (09022015). Collection method: clinical testing. Allele origin: germline.
Comment: This sequence change replaces alanine, which is neutral and non-polar, with serine, which is neutral and polar, at codon 468 of the SPTLC1 protein (p.Ala468Ser). This variant is present in population databases (rs748723735, gnomAD 0.02%). This variant has not been reported in the literature in individuals affected with SPTLC1-related conditions. ClinVar contains an entry for this variant (Variation ID: 388906). Invitae Evidence Modeling of protein sequence and biophysical properties (such as structural, functional, and spatial information, amino acid conservation, physicochemical variation, residue mobility, and thermodynamic stability) has been performed for this missense variant. However, the output from this modeling did not meet the statistical confidence thresholds required to predict the impact of this variant on SPTLC1 protein function. In summary, the available evidence is currently insufficient to determine the role of this variant in disease. Therefore, it has been classified as a Variant of Uncertain Significance.

PreventionGenetics, part of Exact Sciences
Classification: Uncertain significance for SPTLC1-related condition. Last evaluated: 2025-09-10. Review status: criteria provided, single submitter. Criteria: ACMG Guidelines, 2015. Collection method: clinical testing. Allele origin: germline.
Comment: The SPTLC1 c.1402G>T variant is predicted to result in the amino acid substitution p.Ala468Ser. To our knowledge, this variant has not been reported in the literature. This variant is reported in 0.016% of alleles in individuals of European (Non-Finnish) descent in gnomAD. Although we suspect that this variant may be benign, at this time, the clinical significance of this variant is uncertain due to the absence of conclusive functional and genetic evidence.

Blueprint Genetics
Classification: Likely benign. Last evaluated: 2024-09-20. Review status: criteria provided, single submitter. Criteria: ACMG Guidelines, 2015. Collection method: clinical testing. Allele origin: germline.

Ambry Genetics
Classification: Likely benign for Inborn genetic diseases. Last evaluated: 2021-06-22. Review status: criteria provided, single submitter. Criteria: Ambry Variant Classification Scheme 2023. Collection method: clinical testing. Allele origin: germline.

GeneDx
Classification: Likely benign. Last evaluated: 2018-06-04. Review status: criteria provided, single submitter. Criteria: GeneDx Variant Classification Process June 2021. Collection method: clinical testing. Allele origin: germline. Affected: yes.

CeGaT Center for Human Genetics Tuebingen
Classification: Uncertain significance. Last evaluated: 2016-09-01. Review status: criteria provided, single submitter. Criteria: CeGaT Center For Human Genetics Tuebingen Variant Classification Criteria Version 2. Collection method: clinical testing. Allele origin: germline. Affected: yes. Observed: 1 variant allele.

Molecular Genetics Laboratory, London Health Sciences Centre
Classification: Uncertain significance for Charcot-Marie-Tooth disease. Review status: criteria provided, single submitter. Criteria: ACMG Guidelines, 2015. Collection method: clinical testing. Allele origin: germline. Affected: yes.